The following is an entry in ClinVar:

ClinVar aggregate classification (germline): Pathogenic. Review status: criteria provided, multiple submitters, no conflicts (2 of 4 stars). 3 submissions from 3 submitters: Pathogenic (3). Last evaluated 2023-06-09.

Conditions:
Autosomal recessive limb-girdle muscular dystrophy type 2A (LGMDR1). Also called: LEYDEN-MOEBIUS MUSCULAR DYSTROPHY; MUSCULAR DYSTROPHY, PELVOFEMORAL; Muscular dystrophy, limb-girdle, type 2A, Amish; Limb-girdle muscular dystrophy, type 2A; Calpainopathy. Identifiers: Orphanet 267, MedGen C1869123, MONDO:0009675, OMIM 253600. Disease mechanism: loss of function.

gnomAD v4.1: 1 of 1,613,230 alleles (0.000062%); highest among the groups gnomAD compares: African/African-American, 0.0013%; no homozygotes.

Submissions (3):

Labcorp Genetics (formerly Invitae), Labcorp
Classification: Pathogenic for Autosomal recessive limb-girdle muscular dystrophy type 2A. Last evaluated: 2023-06-09. Review status: criteria provided, single submitter. Criteria: Invitae Variant Classification Sherloc (09022015). Collection method: clinical testing. Allele origin: germline.
Comment: For these reasons, this variant has been classified as Pathogenic. ClinVar contains an entry for this variant (Variation ID: 242490). This premature translational stop signal has been observed in individual(s) with autosomal recessive muscular dystrophy (PMID: 25326637). This variant is not present in population databases (gnomAD no frequency). This sequence change creates a premature translational stop signal (p.Glu107*) in the CAPN3 gene. It is expected to result in an absent or disrupted protein product. Loss-of-function variants in CAPN3 are known to be pathogenic (PMID: 10330340, 15689361).

Revvity Omics, Revvity
Classification: Pathogenic. Last evaluated: 2019-10-30. Review status: criteria provided, single submitter. Criteria: ACMG Guidelines, 2015. Collection method: clinical testing. Allele origin: germline.

Eurofins Ntd Llc (ga)
Classification: Pathogenic. Last evaluated: 2016-05-31. Review status: criteria provided, single submitter. Criteria: EGL Classification Definitions 2015. Collection method: clinical testing. Allele origin: germline. Observed: 3 variant alleles, 3 heterozygotes.

Literature cited by the submitters: PubMed 25326637 (cited by Labcorp Genetics (formerly Invitae), Labcorp); PubMed 10330340 (cited by Labcorp Genetics (formerly Invitae), Labcorp); PubMed 15689361 (cited by Labcorp Genetics (formerly Invitae), Labcorp).

NM_000070.3(CAPN3):c.319G>T (p.Glu107Ter)

Gene: CAPN3 (calpain 3; plus strand). Cytogenetic location: 15q15.1.
Variant type: single nucleotide variant.
Coding change: c.319G>T on transcript NM_000070.3 (MANE Select); coding-DNA position 319, G replaced by T.
Protein change: p.Glu107Ter; replaces glutamic acid 107 with a stop codon.
Molecular consequence: nonsense.
Genome position (GRCh38, 1-based): chr15:42,384,492, G>T. VCF-style: chr15-42384492-G-T. GRCh37 (hg19) VCF-style: chr15-42676690-G-T.
Other names: c.319G>T, p.Glu107Ter (NM_024344.2, NM_173087.2); short protein forms E107*.
Identifiers: ClinVar variation 242490 (VCV000242490.18), dbSNP rs1801505, ClinGen allele CA358285.